The following is an entry in ClinVar:

NM_000138.5(FBN1):c.2104C>T (p.Gln702Ter)

Gene: FBN1 (fibrillin 1; minus strand). Cytogenetic location: 15q21.1.
Variant type: single nucleotide variant.
Coding change: c.2104C>T on transcript NM_000138.5 (MANE Select); coding-DNA position 2104, C replaced by T.
Protein change: p.Gln702Ter; replaces glutamine 702 with a stop codon.
Molecular consequence: nonsense.
Genome position (GRCh38, 1-based): chr15:48,503,796, G>A on the plus strand (C>T on the coding strand, the complement: FBN1 is on the minus strand). VCF-style: chr15-48503796-G-A. GRCh37 (hg19) VCF-style: chr15-48795993-G-A.
Other names: c.2104C>T, p.Gln702Ter (NM_001406716.1); short protein forms Q702*.
Identifiers: ClinVar variation 3760451 (VCV003760451.2).
Genomic context (GRCh38, chr15:48,503,796, plus strand): 5'-AATGGTGGCAGAAGGCTGGCAGTACGAGGGCATCTCCATGATACCACATACCTGAATTCT[G>A]TGCAGGACACGGCTGGCAAGGTTCCCCAAATGCATACTCAGTGCTGGCGCAACAGCATTC-3'

ClinVar aggregate classification (germline): Pathogenic (1 of 4 stars; one submission).

Conditions:
Marfan syndrome (MFS). Also called: MARFAN SYNDROME, TYPE I; Marfan syndrome type 1; Marfan's syndrome; Marfan syndrome, classic; FBN1-Related Marfan Syndrome. Identifiers: Orphanet 284963, Orphanet 558, MedGen C0024796, MONDO:0007947, OMIM 154700.
Familial thoracic aortic aneurysm and aortic dissection (TAAD). Also called: Thoracic aortic aneurysms and dissections. Identifiers: Orphanet 91387, MedGen C4707243, MONDO:0019625.

Submission:

Labcorp Genetics (formerly Invitae), Labcorp
Classification: Pathogenic for Marfan syndrome; Familial thoracic aortic aneurysm and aortic dissection. Last evaluated: 2025-01-28. Review status: criteria provided, single submitter. Criteria: Invitae Variant Classification Sherloc (09022015). Collection method: clinical testing. Allele origin: germline.
Comment: This sequence change creates a premature translational stop signal (p.Gln702*) in the FBN1 gene. It is expected to result in an absent or disrupted protein product. Loss-of-function variants in FBN1 are known to be pathogenic (PMID: 17657824, 19293843). This variant is not present in population databases (gnomAD no frequency). This variant has not been reported in the literature in individuals affected with FBN1-related conditions. For these reasons, this variant has been classified as Pathogenic.

Literature cited by the submitters: PubMed 17657824; PubMed 19293843.